The following is an entry in ClinVar:

ClinVar aggregate classification (germline): Pathogenic (1 of 4 stars; one submission).

Submission:

GeneDx
Classification: Pathogenic. Last evaluated: 2024-09-26. Review status: criteria provided, single submitter. Criteria: GeneDx Variant Classification Process June 2021. Collection method: clinical testing. Allele origin: germline. Affected: yes.
Comment: Has not been previously published as pathogenic or benign to our knowledge; Nonsense variant predicted to result in protein truncation or nonsense mediated decay in a gene for which loss of function is a known mechanism of disease; Not observed at significant frequency in large population cohorts (gnomAD)

NM_173076.3(ABCA12):c.5897dup (p.Tyr1966Ter)

Genes: SNHG31 (small nucleolar RNA host gene 31; plus strand), ABCA12 (ATP binding cassette subfamily A member 12; minus strand). Cytogenetic location: 2q35.
Variant type: Duplication.
Coding change: c.5897dup on transcript NM_173076.3 (MANE Select); coding-DNA position 5897, one base duplicated (A; older notation c.5897dupA).
Protein change: p.Tyr1966Ter; replaces tyrosine 1966 with a stop codon.
Molecular consequence: nonsense. On other transcripts: non-coding transcript variant (1).
Genome position (GRCh38, 1-based): chr2:214,959,066, T duplicated on the plus strand (A on the coding strand, the reverse complement: ABCA12 is on the minus strand). VCF-style (leftmost placement, unchanged base first): chr2-214959065-A-AT. GRCh37 (hg19) VCF-style: chr2-215823789-A-AT.
Other names: c.4943dup, p.Tyr1648Ter (NM_015657.4); short protein forms Y1648*, Y1966*.
Identifiers: ClinVar variation 3774918 (VCV003774918.1).